The following is an entry in ClinVar:

NM_003545.4(H4C5):c.136C>T (p.Arg46Cys)

Genes: H4C5 (H4 clustered histone 5; plus strand), LOC129996027 (ATAC-STARR-seq lymphoblastoid active region 24208; plus strand). Cytogenetic location: 6p22.2.
Variant type: single nucleotide variant.
Coding change: c.136C>T on transcript NM_003545.4 (MANE Select); coding-DNA position 136, C replaced by T.
Protein change: p.Arg46Cys; replaces arginine 46 with cysteine.
Molecular consequence: missense variant.
Genome position (GRCh38, 1-based): chr6:26,204,780, C>T. VCF-style: chr6-26204780-C-T. GRCh37 (hg19) VCF-style: chr6-26205008-C-T.
Other names: H4C5, ARG46CYS; p.R46C; short protein forms R46C.
Identifiers: ClinVar variation 809888 (VCV000809888.50), dbSNP rs950721550, ClinGen allele CA136295386.

ClinVar aggregate classification (germline): Conflicting classifications of pathogenicity. Review status: criteria provided, conflicting classifications (1 of 4 stars). 8 submissions from 8 submitters: Pathogenic (1); Likely pathogenic (1); Uncertain significance (1). 5 of the submissions do not count toward it. Last evaluated 2023-07-13.

Conditions:
Tessadori-Van Haaften neurodevelopmental syndrome 3 (TEBIVANED3). Identifiers: MedGen C5774310, MONDO:0030993, OMIM 619950.

Submissions (8):

Ambry Genetics
Classification: Pathogenic. Last evaluated: 2023-07-13. Review status: criteria provided, single submitter. Criteria: Ambry Variant Classification Scheme 2023. Collection method: clinical testing. Allele origin: germline.
Comment: The c.136C>T (p.R46C) alteration is located in exon 1 (coding exon 1) of the HIST1H4E gene. This alteration results from a C to T substitution at nucleotide position 136, causing the arginine (R) at amino acid position 46 to be replaced by a cysteine (C). This variant was not reported in population-based cohorts in the Genome Aggregation Database (gnomAD). This variant has been determined to be the result of a de novo mutation in multiple individuals with features consistent with H4C5-related Tessadori-van Haaften neurodevelopmental syndrome (Tessadori, 2022). This amino acid position is highly conserved in available vertebrate species. This alteration is predicted to be deleterious by in silico analysis. Based on the available evidence, this alteration is classified as pathogenic.

Genetics Laboratory, UDIAT-Centre Diagnòstic, Hospital Universitari Parc Tauli
Classification: Likely pathogenic. Last evaluated: 2021-04-26. Review status: criteria provided, single submitter. Criteria: Parc Tauli Hospital Assertion Criteria 2021. Collection method: clinical testing. Allele origin: de novo. Inheritance: Autosomal dominant inheritance. Affected: yes. Observed: 1 heterozygote.
Comment: PM2_supporting;PM6_moderate;PP3_supporting;PP5_supporting;BP1_supporting

CeGaT Center for Human Genetics Tuebingen
Classification: Uncertain significance. Last evaluated: 2018-09-01. Review status: criteria provided, single submitter. Criteria: CeGaT Center For Human Genetics Tuebingen Variant Classification Criteria Version 2. Collection method: clinical testing. Allele origin: germline. Affected: yes. Observed: 1 variant allele.

Undiagnosed Diseases Network, NIH
Classification: Pathogenic for Tessadori-Van Haaften neurodevelopmental syndrome 3. Last evaluated: 2024-02-21. Review status: no assertion criteria provided. Collection method: clinical testing. Allele origin: de novo. Affected: yes. Observed: 1 variant allele, 1 heterozygote. Study: Undiagnosed Diseases Network (NIH), UDN. Not counted in ClinVar's aggregate classification.
Comment: matches phenotype, RNASeq confirms pathogenicity

OMIM
Classification: Pathogenic for TESSADORI-BICKNELL-VAN HAAFTEN NEURODEVELOPMENTAL SYNDROME 3. Last evaluated: 2023-01-20. Review status: no assertion criteria provided. Collection method: literature only. Allele origin: germline. Not counted in ClinVar's aggregate classification.

Clinical Genetics DNA and cytogenetics Diagnostics Lab, Erasmus MC, Erasmus Medical Center
Classification: Uncertain significance. Review status: no assertion criteria provided. Collection method: clinical testing. Allele origin: germline. Affected: yes. Study: VKGL Data-share Consensus. Not counted in ClinVar's aggregate classification.

Genome Diagnostics Laboratory, Amsterdam University Medical Center
Classification: Uncertain significance. Review status: no assertion criteria provided. Collection method: clinical testing. Allele origin: germline. Affected: yes. Study: VKGL Data-share Consensus. Not counted in ClinVar's aggregate classification.

Laboratory of Diagnostic Genome Analysis, Leiden University Medical Center (LUMC)
Classification: Uncertain significance. Review status: no assertion criteria provided. Collection method: clinical testing. Allele origin: germline. Affected: yes. Study: VKGL Data-share Consensus. Not counted in ClinVar's aggregate classification.

Literature cited by the submitters: PubMed 35202563 (cited by Ambry Genetics and OMIM).